The following is an entry in ClinVar:

NM_006118.4(HAX1):c.227A>G (p.His76Arg)

Gene: HAX1 (HCLS1 associated protein X-1; plus strand). Cytogenetic location: 1q21.3.
Variant type: single nucleotide variant.
Coding change: c.227A>G on transcript NM_006118.4 (MANE Select); coding-DNA position 227, A replaced by G.
Protein change: p.His76Arg; replaces histidine 76 with arginine.
Molecular consequence: missense variant.
Genome position (GRCh38, 1-based): chr1:154,273,509, A>G. VCF-style: chr1-154273509-A-G. GRCh37 (hg19) VCF-style: chr1-154245985-A-G.
Other names: c.83A>G, p.His28Arg (NM_001018837.2); short protein forms H28R, H76R.
Identifiers: ClinVar variation 4824272 (VCV004824272.1).
Genomic context (GRCh38, chr1:154,273,509, plus strand): 5'-ACCCCCCTGAGGAATTTGGCTTCGGCTTCAGCTTCAGCCCAGGAGGAGGGATACGTTTCC[A>G]CGATAACTTCGGCTTTGATGACCTAGTACGAGATTTCAATAGCATCTTCAGCGATATGGG-3'
Protein context (NP_006109.2, residues 66-86): SFSPGGGIRF[His76Arg]DNFGFDDLVR

ClinVar aggregate classification (germline): Uncertain significance (1 of 4 stars; one submission).

Conditions:
Inborn genetic diseases. Identifiers: MedGen C0950123, MeSH D030342.

Submission:

Ambry Genetics
Classification: Uncertain significance for Inborn genetic diseases. Last evaluated: 2026-01-25. Review status: criteria provided, single submitter. Criteria: Ambry Variant Classification Scheme 2023. Collection method: clinical testing. Allele origin: germline.
Comment: The p.H76R variant (also known as c.227A>G), located in coding exon 2 of the HAX1 gene, results from an A to G substitution at nucleotide position 227. The histidine at codon 76 is replaced by arginine, an amino acid with highly similar properties. This amino acid position is conserved. In addition, this alteration is predicted to be tolerated by in silico analysis. Based on the available evidence, the clinical significance of this variant remains unclear.